The following is an entry in ClinVar:

ClinVar aggregate classification (germline): Conflicting classifications of pathogenicity. Review status: criteria provided, conflicting classifications (1 of 4 stars). 3 submissions from 3 submitters: Likely pathogenic (1); Uncertain significance (2). Last evaluated 2026-01-06.

Submissions (3):

Women's Health and Genetics/Laboratory Corporation of America, LabCorp
Classification: Uncertain significance. Last evaluated: 2026-01-06. Review status: criteria provided, single submitter. Criteria: LabCorp Variant Classification Summary - May 2015. Collection method: clinical testing. Allele origin: germline.
Comment: Variant summary: FGG c.1086G>A (p.Met362Ile), also reported as fibrinogen Hannover VI, gamma 336 Met>Ile, results in a conservative amino acid change in the encoded protein sequence. Algorithms developed to predict the effect of missense changes on protein structure and function are either unavailable or do not agree on the potential impact of this missense change. The variant was absent in 251364 control chromosomes. The available data on variant occurrences in the general population are insufficient to allow any conclusion about variant significance. c.1086G>A has been observed in the presumed heterozygous state in at least 1 individual(s) affected with clinical features of Congenital Dysfibrinogenemia (Meyer_2003). These data do not allow any conclusion about variant significance. At least two publications report experimental evidence evaluating an impact on protein function, however, do not allow convincing conclusions about the variant effect (Meyer_2003, Teresawa_2010). The following publications have been ascertained in the context of this evaluation (PMID: 20860169, 33260935, 12669117, 34069309). ClinVar contains an entry for this variant (Variation ID: 1163836). Based on the evidence outlined above, the variant was classified as uncertain significance.

Labcorp Genetics (formerly Invitae), Labcorp
Classification: Uncertain significance. Last evaluated: 2024-05-10. Review status: criteria provided, single submitter. Criteria: Invitae Variant Classification Sherloc (09022015). Collection method: clinical testing. Allele origin: germline.
Comment: This sequence change replaces methionine, which is neutral and non-polar, with isoleucine, which is neutral and non-polar, at codon 362 of the FGG protein (p.Met362Ile). This variant is not present in population databases (gnomAD no frequency). This missense change has been observed in individual(s) with FGG-related conditions (PMID: 12669117). This variant is also known as gamma336M>I. ClinVar contains an entry for this variant (Variation ID: 1163836). Advanced modeling of protein sequence and biophysical properties (such as structural, functional, and spatial information, amino acid conservation, physicochemical variation, residue mobility, and thermodynamic stability) performed at Invitae indicates that this missense variant is expected to disrupt FGG protein function with a positive predictive value of 80%. Experimental studies have shown that this missense change affects FGG function (PMID: 20860169). In summary, the available evidence is currently insufficient to determine the role of this variant in disease. Therefore, it has been classified as a Variant of Uncertain Significance.

Mayo Clinic Laboratories, Mayo Clinic
Classification: Likely pathogenic. Last evaluated: 2022-03-30. Review status: criteria provided, single submitter. Criteria: ACMG Guidelines, 2015. Collection method: clinical testing. Allele origin: germline. Observed: 3 variant alleles.
Comment: PP3, PM1, PM2, PS3

Literature cited by the submitters: PubMed 34069309 (cited by Women's Health and Genetics/Laboratory Corporation of America, LabCorp); PubMed 12669117 (cited by Women's Health and Genetics/Laboratory Corporation of America, LabCorp and Labcorp Genetics (formerly Invitae), Labcorp); PubMed 20860169 (cited by Women's Health and Genetics/Laboratory Corporation of America, LabCorp and Labcorp Genetics (formerly Invitae), Labcorp); PubMed 33260935 (cited by Women's Health and Genetics/Laboratory Corporation of America, LabCorp).

NM_021870.3(FGG):c.1086G>A (p.Met362Ile)

Gene: FGG (fibrinogen gamma chain; minus strand). Cytogenetic location: 4q32.1.
Variant type: single nucleotide variant.
Coding change: c.1086G>A on transcript NM_021870.3 (MANE Select); coding-DNA position 1086, G replaced by A.
Protein change: p.Met362Ile; replaces methionine 362 with isoleucine.
Molecular consequence: missense variant.
Genome position (GRCh38, 1-based): chr4:154,606,748, C>T on the plus strand (G>A on the coding strand, the complement: FGG is on the minus strand). VCF-style: chr4-154606748-C-T. GRCh37 (hg19) VCF-style: chr4-155527900-C-T.
Other names: c.1086G>A, p.Met362Ile (NM_000509.6); short protein forms M362I.
Identifiers: ClinVar variation 1163836 (VCV001163836.9), dbSNP rs2110841438, ClinGen allele CA358535615.